The following is an entry in ClinVar:

ClinVar aggregate classification (germline): Uncertain significance (1 of 4 stars; one submission).

Conditions:
Osteogenesis imperfecta type 7 (OI7). Also called: OSTEOGENESIS IMPERFECTA, TYPE IIB; Osteogenesis imperfecta type 2B; OI type 2B; Osteogenesis imperfecta, perinatal lethal autosomal recessive; OI type IIB; OI type 7. Identifiers: MedGen C1853162, MONDO:0012536, OMIM 610682.

Allele frequency attached by ClinVar (database versions not stated): ExAC 0.00001; gnomAD 0.00001; gnomAD exomes 0.00001; TOPMed 0.00001.
gnomAD v4.1: 9 of 1,613,898 alleles (0.00056%); highest among the groups gnomAD compares: Admixed American, 0.0067%; no homozygotes.

Submission:

Labcorp Genetics (formerly Invitae), Labcorp
Classification: Uncertain significance for Osteogenesis imperfecta type 7. Last evaluated: 2021-08-24. Review status: criteria provided, single submitter. Criteria: Invitae Variant Classification Sherloc (09022015). Collection method: clinical testing. Allele origin: germline.
Comment: This sequence change falls in intron 2 of the CRTAP gene. It does not directly change the encoded amino acid sequence of the CRTAP protein. It affects a nucleotide within the consensus splice site of the intron. This variant is present in population databases (rs563594799, ExAC 0.009%). This variant has not been reported in the literature in individuals affected with CRTAP-related conditions. Variants that disrupt the consensus splice site are a relatively common cause of aberrant splicing (PMID: 17576681, 9536098). Algorithms developed to predict the effect of sequence changes on RNA splicing suggest that this variant may disrupt the consensus splice site. In summary, the available evidence is currently insufficient to determine the role of this variant in disease. Therefore, it has been classified as a Variant of Uncertain Significance.

Literature cited by the submitters: PubMed 17576681; PubMed 9536098.

NM_006371.5(CRTAP):c.622-3C>G

Gene: CRTAP (cartilage associated protein; plus strand). Cytogenetic location: 3p22.3.
Variant type: single nucleotide variant.
Coding change: c.622-3C>G on transcript NM_006371.5 (MANE Select); 3 bases into the intron before coding-DNA position 622, C replaced by G.
Molecular consequence: intron variant.
Genome position (GRCh38, 1-based): chr3:33,124,405, C>G. VCF-style: chr3-33124405-C-G. GRCh37 (hg19) VCF-style: chr3-33165897-C-G.
Other names: c.622-3C>G (NM_001393363.1, NM_001393364.1); c.472-3C>G (NM_001393365.1).
Identifiers: ClinVar variation 640677 (VCV000640677.3), dbSNP rs563594799, ClinGen allele CA2300338.